The following is an entry in ClinVar:

ClinVar aggregate classification (germline): Benign/Likely benign. Review status: criteria provided, multiple submitters, no conflicts (2 of 4 stars). 3 submissions from 3 submitters: Benign (1); Likely benign (2). Last evaluated 2026-01-24.

Allele frequency attached by ClinVar (database versions not stated): gnomAD exomes 0.00019 and 0.00051; ExAC 0.00060; 1000 Genomes Project 30x 0.00187; ESP Exome Variant Server 0.00192; gnomAD 0.00196 and 0.00214; 1000 Genomes Project 0.00200; TOPMed 0.00221.
gnomAD v4.1: 602 of 1,612,732 alleles (0.037%); highest among the groups gnomAD compares: African/African-American, 0.69%; 1 homozygote.

Submissions (3):

Labcorp Genetics (formerly Invitae), Labcorp
Classification: Benign. Last evaluated: 2026-01-24. Review status: criteria provided, single submitter. Criteria: Invitae Variant Classification Sherloc (09022015). Collection method: clinical testing. Allele origin: germline.

Blueprint Genetics
Classification: Likely benign. Last evaluated: 2024-09-13. Review status: criteria provided, single submitter. Criteria: ACMG Guidelines, 2015. Collection method: clinical testing. Allele origin: germline.

GeneDx
Classification: Likely benign. Last evaluated: 2018-05-08. Review status: criteria provided, single submitter. Criteria: GeneDx Variant Classification (06012015). Collection method: clinical testing. Allele origin: germline. Affected: yes.
Comment: This variant is considered likely benign or benign based on one or more of the following criteria: it is a conservative change, it occurs at a poorly conserved position in the protein, it is predicted to be benign by multiple in silico algorithms, and/or has population frequency not consistent with disease.

NM_001851.6(COL9A1):c.299+14A>C

Gene: COL9A1 (collagen type IX alpha 1 chain; minus strand). Cytogenetic location: 6q13.
Variant type: single nucleotide variant.
Coding change: c.299+14A>C on transcript NM_001851.6 (MANE Select); 14 bases into the intron after coding-DNA position 299, A replaced by C.
Molecular consequence: intron variant.
Genome position (GRCh38, 1-based): chr6:70,300,029, T>G on the plus strand (A>C on the coding strand, the complement: COL9A1 is on the minus strand). VCF-style: chr6-70300029-T-G. GRCh37 (hg19) VCF-style: chr6-71009732-T-G.
Other names: c.299+14A>C (NM_001377291.1).
Identifiers: ClinVar variation 668222 (VCV000668222.12), dbSNP rs138522232, ClinGen allele CA3882865.